The following is an entry in ClinVar:

ClinVar aggregate classification (germline): Uncertain significance (1 of 4 stars; one submission).

Conditions:
Hereditary cancer-predisposing syndrome. Also called: Neoplastic Syndromes, Hereditary; Tumor predisposition; Hereditary neoplastic syndrome; Hereditary Cancer Syndrome. Identifiers: Orphanet 140162, MedGen C0027672, MeSH D009386, MONDO:0015356.

Submission:

Ambry Genetics
Classification: Uncertain significance for Hereditary cancer-predisposing syndrome. Last evaluated: 2026-07-07. Review status: criteria provided, single submitter. Criteria: Ambry Variant Classification Scheme 2023. Collection method: clinical testing. Allele origin: germline.
Comment: The p.G241E variant (also known as c.722G>A), located in coding exon 6 of the SUFU gene, results from a G to A substitution at nucleotide position 722. The glycine at codon 241 is replaced by glutamic acid, an amino acid with similar properties. This amino acid position is conserved. In addition, this alteration is predicted to be deleterious by in silico analysis. Based on the available evidence, the clinical significance of this variant remains unclear.

NM_016169.4(SUFU):c.722G>A (p.Gly241Glu)

Gene: SUFU (SUFU negative regulator of hedgehog signaling; plus strand). Cytogenetic location: 10q24.32.
Variant type: single nucleotide variant.
Coding change: c.722G>A on transcript NM_016169.4 (MANE Select); coding-DNA position 722, G replaced by A.
Protein change: p.Gly241Glu; replaces glycine 241 with glutamic acid.
Molecular consequence: missense variant.
Genome position (GRCh38, 1-based): chr10:102,594,031, G>A. VCF-style: chr10-102594031-G-A. GRCh37 (hg19) VCF-style: chr10-104353788-G-A.
Other names: c.722G>A, p.Gly241Glu (NM_001178133.2); short protein forms G241E.
Identifiers: ClinVar variation 5030416 (VCV005030416.1).